The following is an entry in ClinVar:

NM_004787.4(SLIT2):c.4525G>T (p.Gly1509Cys)

Gene: SLIT2 (slit guidance ligand 2; plus strand). Cytogenetic location: 4p15.31.
Variant type: single nucleotide variant.
Coding change: c.4525G>T on transcript NM_004787.4 (MANE Select); coding-DNA position 4525, G replaced by T.
Protein change: p.Gly1509Cys; replaces glycine 1509 with cysteine.
Molecular consequence: missense variant.
Genome position (GRCh38, 1-based): chr4:20,618,944, G>T. VCF-style: chr4-20618944-G-T. GRCh37 (hg19) VCF-style: chr4-20620567-G-T.
Other names: c.4513G>T, p.Gly1505Cys (NM_001289135.3); c.4501G>T, p.Gly1501Cys (NM_001289136.3); short protein forms G1501C, G1505C, G1509C.
Identifiers: ClinVar variation 5008285 (VCV005008285.1).
Genomic context (GRCh38, chr4:20,618,944, plus strand): 5'-GGGCAGTGCTGTGGACCGCTGAGGAGCAAGCGGCGGAAATACTCTTTCGAATGCACTGAC[G>T]GCTCCTCCTTTGTGGACGAGGTTGAGAAAGTGGTGAAGTGCGGCTGTACGAGGTGTGTGT-3'
Protein context (NP_004778.1, residues 1499-1519): RRKYSFECTD[Gly1509Cys]SSFVDEVEKV

ClinVar aggregate classification (germline): Uncertain significance (1 of 4 stars; one submission).

Submission:

GeneDx
Classification: Uncertain significance. Last evaluated: 2026-02-26. Review status: criteria provided, single submitter. Criteria: GeneDx Variant Classification Process June 2021. Collection method: clinical testing. Allele origin: germline.
Comment: Not observed at significant frequency in large population cohorts (gnomAD); In silico analysis supports that this missense variant has a deleterious effect on protein structure/function; Has not been previously published as pathogenic or benign to our knowledge